The following is an entry in ClinVar:

NM_006648.4(WNK2):c.2729C>A (p.Pro910His)

Gene: WNK2 (WNK lysine deficient protein kinase 2; plus strand). Cytogenetic location: 9q22.31.
Variant type: single nucleotide variant.
Coding change: c.2729C>A on transcript NM_006648.4 (MANE Select); coding-DNA position 2729, C replaced by A.
Protein change: p.Pro910His; replaces proline 910 with histidine.
Molecular consequence: missense variant.
Genome position (GRCh38, 1-based): chr9:93,259,277, C>A. VCF-style: chr9-93259277-C-A. GRCh37 (hg19) VCF-style: chr9-96021559-C-A.
Other names: c.2729C>A, p.Pro910His (NM_001282394.3); short protein forms P910H.
Identifiers: ClinVar variation 4842119 (VCV004842119.1).

ClinVar aggregate classification (germline): Uncertain significance (1 of 4 stars; one submission).

Submission:

Ambry Genetics
Classification: Uncertain significance. Last evaluated: 2026-01-03. Review status: criteria provided, single submitter. Criteria: Ambry Variant Classification Scheme 2023. Collection method: clinical testing. Allele origin: germline.
Comment: The p.P910H variant (also known as c.2729C>A), located in coding exon 11 of the WNK2 gene, results from a C to A substitution at nucleotide position 2729. The proline at codon 910 is replaced by histidine, an amino acid with similar properties. This amino acid position is conserved. In addition, the in silico prediction for this alteration is inconclusive. Based on the available evidence, the clinical significance of this variant remains unclear.